The following is an entry in ClinVar:

ClinVar aggregate classification (germline): Benign (1 of 4 stars; one submission).

Allele frequency attached by ClinVar (database versions not stated): 1000 Genomes Project 0.82927; 1000 Genomes Project 30x 0.84057; TOPMed 0.92946; gnomAD 0.93176 and 0.94091.
gnomAD v4.1: 141,862 of 152,322 alleles (93%); highest among the groups gnomAD compares: African/African-American, 97%; 66,600 homozygotes.

Submission:

GeneDx
Classification: Benign. Last evaluated: 2018-06-14. Review status: criteria provided, single submitter. Criteria: GeneDx Variant Classification (06012015). Collection method: clinical testing. Allele origin: germline. Affected: yes.
Comment: This variant is considered likely benign or benign based on one or more of the following criteria: it is a conservative change, it occurs at a poorly conserved position in the protein, it is predicted to be benign by multiple in silico algorithms, and/or has population frequency not consistent with disease.

NM_033109.5(PNPT1):c.977-228A>G

Gene: PNPT1 (polyribonucleotide nucleotidyltransferase 1; minus strand). Cytogenetic location: 2p16.1.
Variant type: single nucleotide variant.
Coding change: c.977-228A>G on transcript NM_033109.5 (MANE Select); 228 bases into the intron before coding-DNA position 977, A replaced by G.
Molecular consequence: intron variant.
Genome position (GRCh38, 1-based): chr2:55,668,186, T>C on the plus strand (A>G on the coding strand, the complement: PNPT1 is on the minus strand). VCF-style: chr2-55668186-T-C. GRCh37 (hg19) VCF-style: chr2-55895321-T-C.
Identifiers: ClinVar variation 683567 (VCV000683567.1), dbSNP rs782636, ClinGen allele CA15161055.
Genomic context (GRCh38, chr2:55,668,186, plus strand): 5'-CAAATGTGACACATCAAGTACCAAGTACTACAACTGTGTTGTTATTGTGAACTTAGTTTG[T>C]TTTCTACCTAAATGACTGAATGACAGTGCTTTGAAATCAGTTCCCTTTTCTTTCTTTCTT-3'